The following is an entry in ClinVar:

ClinVar aggregate classification (germline): Uncertain significance. Review status: criteria provided, multiple submitters, no conflicts (2 of 4 stars). 3 submissions from 3 submitters: Uncertain significance (3). Last evaluated 2025-09-24.

Conditions:
Developmental and epileptic encephalopathy, 42 (DEE42A). Also called: Epileptic encephalopathy, early infantile, 42; DEVELOPMENTAL AND EPILEPTIC ENCEPHALOPATHY 42A; EPILEPTIC ENCEPHALOPATHY, EARLY INFANTILE, 42A. Identifiers: MedGen C4310716, MONDO:0014917, OMIM 617106.
Episodic ataxia type 2 (EA2). Also called: ACETAZOLAMIDE-RESPONSIVE HEREDITARY PAROXYSMAL CEREBELLAR ATAXIA; ATAXIA, EPISODIC, WITH NYSTAGMUS; ATAXIA, FAMILIAL PAROXYSMAL; CEREBELLAR ATAXIA, PAROXYSMAL, ACETAZOLAMIDE-RESPONSIVE; CEREBELLOPATHY, HEREDITARY PAROXYSMAL; EPISODIC ATAXIA, NYSTAGMUS-ASSOCIATED. Identifiers: Orphanet 97, MedGen C1720416, MONDO:0007163, OMIM 108500.
Inborn genetic diseases. Identifiers: MedGen C0950123, MeSH D030342.

Allele frequency attached by ClinVar (database versions not stated): gnomAD exomes below 0.00001.
gnomAD v4.1: 7 of 1,613,844 alleles (0.00043%); highest among the groups gnomAD compares: African/African-American, 0.0013%; no homozygotes.

Submissions (3):

Ambry Genetics
Classification: Uncertain significance for Inborn genetic diseases. Last evaluated: 2025-09-24. Review status: criteria provided, single submitter. Criteria: Ambry Variant Classification Scheme 2023. Collection method: clinical testing. Allele origin: germline.

Labcorp Genetics (formerly Invitae), Labcorp
Classification: Uncertain significance for Developmental and epileptic encephalopathy, 42; Episodic ataxia type 2. Last evaluated: 2024-07-19. Review status: criteria provided, single submitter. Criteria: Invitae Variant Classification Sherloc (09022015). Collection method: clinical testing. Allele origin: germline.
Comment: This sequence change replaces serine, which is neutral and polar, with asparagine, which is neutral and polar, at codon 1526 of the CACNA1A protein (p.Ser1526Asn). This variant is not present in population databases (gnomAD no frequency). This variant has not been reported in the literature in individuals affected with CACNA1A-related conditions. ClinVar contains an entry for this variant (Variation ID: 995020). Advanced modeling of protein sequence and biophysical properties (such as structural, functional, and spatial information, amino acid conservation, physicochemical variation, residue mobility, and thermodynamic stability) performed at Invitae indicates that this missense variant is expected to disrupt CACNA1A protein function with a positive predictive value of 95%. In summary, the available evidence is currently insufficient to determine the role of this variant in disease. Therefore, it has been classified as a Variant of Uncertain Significance.

Athena Diagnostics
Classification: Uncertain significance. Last evaluated: 2020-07-02. Review status: criteria provided, single submitter. Criteria: Athena Diagnostics Criteria. Collection method: clinical testing. Allele origin: unknown.

NM_001127222.2(CACNA1A):c.4574G>A (p.Ser1525Asn)

Gene: CACNA1A (calcium voltage-gated channel subunit alpha1 A; minus strand). Cytogenetic location: 19p13.13.
Variant type: single nucleotide variant.
Coding change: c.4574G>A on transcript NM_001127222.2 (MANE Select); coding-DNA position 4574, G replaced by A.
Protein change: p.Ser1525Asn; replaces serine 1525 with asparagine.
Molecular consequence: missense variant.
Genome position (GRCh38, 1-based): chr19:13,257,366, C>T on the plus strand (G>A on the coding strand, the complement: CACNA1A is on the minus strand). VCF-style: chr19-13257366-C-T. GRCh37 (hg19) VCF-style: chr19-13368180-C-T.
Other names: c.4577G>A (NM_001127221.1); c.4586G>A, p.Ser1529Asn (NM_000068.4, NM_023035.3); c.4577G>A, p.Ser1526Asn (NM_001127221.2, NM_001174080.2); short protein forms S1525N, S1526N, S1529N.
Identifiers: ClinVar variation 995020 (VCV000995020.7), dbSNP rs2056600119, ClinGen allele CA404338744.